The following is an entry in ClinVar:

ClinVar aggregate classification (germline): Uncertain significance. Review status: criteria provided, multiple submitters, no conflicts (2 of 4 stars). 2 submissions from 2 submitters: Uncertain significance (2). Last evaluated 2025-08-18.

Conditions:
COL4A3-related disorder. Also called: COL4A3-Related Disorders; COL4A3-related condition.

gnomAD v4.1: 6 of 1,614,072 alleles (0.00037%); highest among the groups gnomAD compares: Non-Finnish European, 0.00051%; no homozygotes.

Submissions (2):

PreventionGenetics, part of Exact Sciences
Classification: Uncertain significance for COL4A3-related condition. Last evaluated: 2025-08-18. Review status: criteria provided, single submitter. Criteria: ACMG Guidelines, 2015. Collection method: clinical testing. Allele origin: germline.
Comment: The COL4A3 c.4619C>T variant is predicted to result in the amino acid substitution p.Ala1540Val. To our knowledge, this variant has not been reported in the literature. This variant is reported in 0.00088% of alleles in individuals of European (Non-Finnish) descent in gnomAD. At this time, the clinical significance of this variant is uncertain due to the absence of conclusive functional and genetic evidence.

Blueprint Genetics
Classification: Uncertain significance. Last evaluated: 2019-02-04. Review status: criteria provided, single submitter. Criteria: ACMG Guidelines, 2015. Collection method: clinical testing. Allele origin: germline.

NM_000091.5(COL4A3):c.4619C>T (p.Ala1540Val)

Genes: COL4A3 (collagen type IV alpha 3 chain; plus strand), MFF-DT (MFF divergent transcript; minus strand). Cytogenetic location: 2q36.3.
Variant type: single nucleotide variant.
Coding change: c.4619C>T on transcript NM_000091.5 (MANE Select); coding-DNA position 4619, C replaced by T.
Protein change: p.Ala1540Val; replaces alanine 1540 with valine.
Molecular consequence: missense variant.
Genome position (GRCh38, 1-based): chr2:227,309,055, C>T. VCF-style: chr2-227309055-C-T. GRCh37 (hg19) VCF-style: chr2-228173771-C-T.
Other names: short protein forms A1540V.
Identifiers: ClinVar variation 4960357 (VCV004960357.2).